The following is an entry in ClinVar:

ClinVar aggregate classification (germline): Benign (1 of 4 stars; one submission).

gnomAD v4.1: 2,812 of 1,511,840 alleles (0.19%); highest among the groups gnomAD compares: East Asian, 3.9%; 52 homozygotes.

Submission:

CeGaT Center for Human Genetics Tuebingen
Classification: Benign. Last evaluated: 2026-06-01. Review status: criteria provided, single submitter. Criteria: CeGaT Center For Human Genetics Tuebingen Variant Classification Criteria Version 2. Collection method: clinical testing. Allele origin: germline. Affected: yes. Observed: 5 variant alleles.
Comment: ESR1: BP4, BS1, BS2

NM_000125.4(ESR1):c.437C>A (p.Pro146Gln)

Gene: ESR1 (estrogen receptor 1; plus strand). Cytogenetic location: 6q25.1.
Variant type: single nucleotide variant.
Coding change: c.437C>A on transcript NM_000125.4 (MANE Select); coding-DNA position 437, C replaced by A.
Protein change: p.Pro146Gln; replaces proline 146 with glutamine.
Molecular consequence: missense variant.
Genome position (GRCh38, 1-based): chr6:151,808,349, C>A. VCF-style: chr6-151808349-C-A. GRCh37 (hg19) VCF-style: chr6-152129484-C-A.
Other names: c.437C>A, p.Pro146Gln (NM_001122740.2, NM_001122741.2, NM_001122742.2 and 7 more transcripts); short protein forms P146Q.
Identifiers: ClinVar variation 3341627 (VCV003341627.16).
Genomic context (GRCh38, chr6:151,808,349, plus strand): 5'-AGCAGGTGCCCTACTACCTGGAGAACGAGCCCAGCGGCTACACGGTGCGCGAGGCCGGCC[C>A]GCCGGCATTCTACAGGTACCCGCGCCCGCGCCGCCCGTCGGGGTGGCCGCCGCGCCCGGC-3'
Protein context (NP_000116.2, residues 136-156): PSGYTVREAG[Pro146Gln]PAFYRPNSDN